The following is an entry in ClinVar:

NM_000540.3(RYR1):c.683A>G (p.Glu228Gly)

Gene: RYR1 (ryanodine receptor 1; plus strand). Cytogenetic location: 19q13.2.
Variant type: single nucleotide variant.
Coding change: c.683A>G on transcript NM_000540.3 (MANE Select); coding-DNA position 683, A replaced by G.
Protein change: p.Glu228Gly; replaces glutamic acid 228 with glycine.
Molecular consequence: missense variant.
Genome position (GRCh38, 1-based): chr19:38,446,523, A>G. VCF-style: chr19-38446523-A-G. GRCh37 (hg19) VCF-style: chr19-38937163-A-G.
Other names: c.683A>G, p.Glu228Gly (NM_001042723.2); short protein forms E228G.
Identifiers: ClinVar variation 891613 (VCV000891613.9), dbSNP rs1260538999, ClinGen allele CA405679614.
Genomic context (GRCh38, chr19:38,446,523, plus strand): 5'-CCTCTCCAGGCTTCGTGACGGGAGGTCACGTCCTCCGCCTCTTTCATGGACATATGGATG[A>G]GTGTCTGACCATTTCCCCTGCTGACAGTGATGACCAGCGCAGGTCTGGGCTGTGGACGAG-3'
Protein context (NP_000531.2, residues 218-238): VLRLFHGHMD[Glu228Gly]CLTISPADSD

ClinVar aggregate classification (germline): Uncertain significance. Review status: criteria provided, multiple submitters, no conflicts (2 of 4 stars). 6 submissions from 4 submitters: Uncertain significance (6). Last evaluated 2024-04-25.

Conditions:
RYR1-related disorder. Also called: RYR1-related condition; RYR1-related disorders. Identifiers: MedGen CN239331.
Congenital multicore myopathy with external ophthalmoplegia (CMYO1B). Also called: MULTICORE MYOPATHY; Minicore myopathy with external ophthalmoplegia; Congenital myopathy 1B, autosomal recessive; Minicore myopathy; MULTIMINICORE DISEASE WITH EXTERNAL OPHTHALMOPLEGIA. Identifiers: Orphanet 598, Orphanet 98905, MedGen C1850674, MONDO:0009712, OMIM 255320, HP:0003789.
Malignant hyperthermia, susceptibility to, 1 (MHS1). Also called: Anesthesia related hyperthermia; Malignant hyperpyrexia; Fulminating hyperpyrexia; Pharmacogenic myopathy; RYR1-Related Malignant Hyperthermia Susceptibility; Malignant hyperthermia suceptibility 1. Identifiers: Orphanet 423, MedGen C2930980, MONDO:0007783, OMIM 145600.
Central core myopathy (CMYO1A). Also called: CONGENITAL MYOPATHY 1A, AUTOSOMAL DOMINANT, WITH SUSCEPTIBILITY TO MALIGNANT HYPERTHERMIA; Central core disease; Myopathy, central fibrillar. Identifiers: Orphanet 597, MedGen C5830701, MONDO:0007294, OMIM 117000.

Allele frequency attached by ClinVar (database versions not stated): gnomAD exomes below 0.00001; gnomAD 0.00001; TOPMed 0.00001.
gnomAD v4.1: 11 of 1,614,036 alleles (0.00068%); highest among the groups gnomAD compares: African/African-American, 0.0013%; no homozygotes.

Submissions (6):

Color Diagnostics, LLC DBA Color Health
Classification: Uncertain significance for Malignant hyperthermia, susceptibility to, 1. Last evaluated: 2024-04-25. Review status: criteria provided, single submitter. Criteria: ACMG Guidelines, 2015. Collection method: clinical testing. Allele origin: germline.
Comment: This missense variant replaces glutamic acid with glycine at codon 228 of the RYR1 protein. Computational prediction is inconclusive regarding the impact of this variant on protein structure and function. To our knowledge, functional studies have not been reported for this variant. This variant has not been reported in individuals affected with RYR1-related disorders in the literature. This variant has been identified in 1/251474 chromosomes in the general population by the Genome Aggregation Database (gnomAD). The available evidence is insufficient to determine the role of this variant in disease conclusively. Therefore, this variant is classified as a Variant of Uncertain Significance.

Labcorp Genetics (formerly Invitae), Labcorp
Classification: Uncertain significance for RYR1-related disorder. Last evaluated: 2024-01-12. Review status: criteria provided, single submitter. Criteria: Invitae Variant Classification Sherloc (09022015). Collection method: clinical testing. Allele origin: germline.
Comment: This sequence change replaces glutamic acid, which is acidic and polar, with glycine, which is neutral and non-polar, at codon 228 of the RYR1 protein (p.Glu228Gly). This variant is present in population databases (no rsID available, gnomAD 0.0009%). This variant has not been reported in the literature in individuals affected with RYR1-related conditions. ClinVar contains an entry for this variant (Variation ID: 891613). Advanced modeling of protein sequence and biophysical properties (such as structural, functional, and spatial information, amino acid conservation, physicochemical variation, residue mobility, and thermodynamic stability) has been performed at Invitae for this missense variant, however the output from this modeling did not meet the statistical confidence thresholds required to predict the impact of this variant on RYR1 protein function. In summary, the available evidence is currently insufficient to determine the role of this variant in disease. Therefore, it has been classified as a Variant of Uncertain Significance.

All of Us Research Program, National Institutes of Health
Classification: Uncertain significance for Malignant hyperthermia, susceptibility to, 1. Last evaluated: 2023-10-30. Review status: criteria provided, single submitter. Criteria: ACMG Guidelines, 2015. Collection method: clinical testing. Allele origin: germline. Inheritance: Autosomal dominant inheritance. Observed: 2 variant alleles, 2 heterozygotes.
Comment: This study involves interpretation of variants in research participants for the purpose of population health screening. Participant phenotype was not available at the time of variant classification. Additional details can be found in publication PMID: 35346344, PMCID: PMC8962531

Illumina Laboratory Services, Illumina
Classification: Uncertain significance for Malignant hyperthermia, susceptibility to, 1. Last evaluated: 2018-01-13. Review status: criteria provided, single submitter. Criteria: ICSL Variant Classification Criteria 13 December 2019. Collection method: clinical testing. Allele origin: germline.

Illumina Laboratory Services, Illumina
Classification: Uncertain significance for Congenital multicore myopathy with external ophthalmoplegia. Last evaluated: 2018-01-13. Review status: criteria provided, single submitter. Criteria: ICSL Variant Classification Criteria 13 December 2019. Collection method: clinical testing. Allele origin: germline.

Illumina Laboratory Services, Illumina
Classification: Uncertain significance for Central core myopathy. Last evaluated: 2018-01-13. Review status: criteria provided, single submitter. Criteria: ICSL Variant Classification Criteria 13 December 2019. Collection method: clinical testing. Allele origin: germline.